The following is an entry in ClinVar:

ClinVar aggregate classification (germline): Uncertain significance (1 of 4 stars; one submission).

Conditions:
Cardiomyopathy (CMYO). Also called: Cardiomyopathies. Identifiers: Orphanet 167848, MedGen C0878544, MONDO:0004994, HP:0001638. Inheritance: Various modes of inheritance.

Submission:

Color Diagnostics, LLC DBA Color Health
Classification: Uncertain significance for Cardiomyopathy. Last evaluated: 2023-12-05. Review status: criteria provided, single submitter. Criteria: ACMG Guidelines, 2015. Collection method: clinical testing. Allele origin: germline.
Comment: Variant of Uncertain Significance due to insufficient evidence: This missense variant replaces lysine with methionine at codon 3471 of the RYR2 protein. Computational prediction tools and conservation analyses suggest that this variant may have deleterious impact on the protein function. Computational splicing tools suggest that this variant may not impact RNA splicing. To our knowledge, functional assays have not been performed for this variant nor has this variant been reported in individuals affected with cardiovascular disorders in the literature. This variant has not been identified in the general population by the Genome Aggregation Database (gnomAD). Available evidence is insufficient to determine the role of this variant in disease conclusively.

NM_001035.3(RYR2):c.10412A>T (p.Lys3471Met)

Gene: RYR2 (ryanodine receptor 2; plus strand). Cytogenetic location: 1q43.
Variant type: single nucleotide variant.
Coding change: c.10412A>T on transcript NM_001035.3 (MANE Select); coding-DNA position 10412, A replaced by T.
Protein change: p.Lys3471Met; replaces lysine 3471 with methionine.
Molecular consequence: missense variant.
Genome position (GRCh38, 1-based): chr1:237,717,286, A>T. VCF-style: chr1-237717286-A-T. GRCh37 (hg19) VCF-style: chr1-237880586-A-T.
Other names: short protein forms K3471M.
Identifiers: ClinVar variation 919027 (VCV000919027.5), dbSNP rs1689344558, ClinGen allele CA345414518.